The following is an entry in ClinVar:

ClinVar aggregate classification (germline): Benign/Likely benign. Review status: criteria provided, multiple submitters, no conflicts (2 of 4 stars). 4 submissions from 4 submitters: Benign (2); Likely benign (2). Last evaluated 2025-11-24.

Allele frequency attached by ClinVar (database versions not stated): gnomAD exomes 0.00014 and 0.00041; ExAC 0.00056; gnomAD 0.00150 and 0.00163; TOPMed 0.00158; 1000 Genomes Project 0.00160; ESP Exome Variant Server 0.00196; 1000 Genomes Project 30x 0.00219.
gnomAD v4.1: 441 of 1,613,356 alleles (0.027%); highest among the groups gnomAD compares: African/African-American, 0.51%; 1 homozygote.

Submissions (4):

Labcorp Genetics (formerly Invitae), Labcorp
Classification: Benign. Last evaluated: 2025-11-24. Review status: criteria provided, single submitter. Criteria: Invitae Variant Classification Sherloc (09022015). Collection method: clinical testing. Allele origin: germline.

Mayo Clinic Laboratories, Mayo Clinic
Classification: Likely benign. Last evaluated: 2025-05-07. Review status: criteria provided, single submitter. Criteria: ACMG Guidelines, 2015. Collection method: clinical testing. Allele origin: germline. Observed: 1 variant allele.
Comment: BS1, BP4, BP7

Blueprint Genetics
Classification: Likely benign. Last evaluated: 2024-08-22. Review status: criteria provided, single submitter. Criteria: ACMG Guidelines, 2015. Collection method: clinical testing. Allele origin: germline.

Breakthrough Genomics
Classification: Benign. Review status: criteria provided, single submitter. Criteria: ACMG Guidelines, 2015. Collection method: not provided. Allele origin: germline. Inheritance: Autosomal dominant inheritance. Affected: yes.

NM_001846.4(COL4A2):c.3871C>T (p.Leu1291=)

Gene: COL4A2 (collagen type IV alpha 2 chain; plus strand). Cytogenetic location: 13q34.
Variant type: single nucleotide variant.
Coding change: c.3871C>T on transcript NM_001846.4 (MANE Select); coding-DNA position 3871, C replaced by T.
Protein change: p.Leu1291=; no amino-acid change (leucine 1291 retained).
Molecular consequence: synonymous variant.
Genome position (GRCh38, 1-based): chr13:110,501,778, C>T. VCF-style: chr13-110501778-C-T. GRCh37 (hg19) VCF-style: chr13-111154125-C-T.
Other names: p.Leu1291=.
Identifiers: ClinVar variation 715660 (VCV000715660.12), dbSNP rs140883685, ClinGen allele CA7050338.